The following is an entry in ClinVar:

ClinVar aggregate classification (germline): Conflicting classifications of pathogenicity. Review status: criteria provided, conflicting classifications (1 of 4 stars). 3 submissions from 3 submitters: Uncertain significance (2); Likely benign (1). Last evaluated 2024-07-04.

Allele frequency attached by ClinVar (database versions not stated): gnomAD exomes 0.00048; ExAC 0.00055; 1000 Genomes Project 0.00100; 1000 Genomes Project 30x 0.00109; ESP Exome Variant Server 0.00119; gnomAD 0.00153 and 0.00163; TOPMed 0.00180.
gnomAD v4.1: 513 of 1,612,258 alleles (0.032%); highest among the groups gnomAD compares: African/African-American, 0.59%; no homozygotes.

Submissions (3):

Blueprint Genetics
Classification: Likely benign. Last evaluated: 2024-07-04. Review status: criteria provided, single submitter. Criteria: ACMG Guidelines, 2015. Collection method: clinical testing. Allele origin: germline.

GeneDx
Classification: Uncertain significance. Last evaluated: 2023-06-11. Review status: criteria provided, single submitter. Criteria: GeneDx Variant Classification Process June 2021. Collection method: clinical testing. Allele origin: germline. Affected: yes.
Comment: In silico analysis supports that this missense variant does not alter protein structure/function; Observed in at least one homozygous clinically unaffected adult relative of an individual referred for genetic testing at GeneDx; This variant is associated with the following publications: (PMID: 31144483)

Breakthrough Genomics
Classification: Uncertain significance. Review status: criteria provided, single submitter. Criteria: ACMG Guidelines, 2015. Collection method: not provided. Allele origin: germline. Inheritance: Autosomal recessive inheritance. Affected: yes.

NM_178857.6(RP1L1):c.4675G>A (p.Glu1559Lys)

Gene: RP1L1 (RP1 like 1). Cytogenetic location: 8p23.1.
Variant type: single nucleotide variant.
Coding change: c.4675G>A on transcript NM_178857.6 (MANE Select); coding-DNA position 4675, G replaced by A.
Protein change: p.Glu1559Lys; replaces glutamic acid 1559 with lysine.
Molecular consequence: missense variant.
Genome position (GRCh38, 1-based): chr8:10,609,423, C>T on the plus strand (G>A on the coding strand, the complement: RP1L1 is on the minus strand). VCF-style: chr8-10609423-C-T. GRCh37 (hg19) VCF-style: chr8-10466933-C-T.
Other names: short protein forms E1559K.
Identifiers: ClinVar variation 1254451 (VCV001254451.5), dbSNP rs199965589, ClinGen allele CA4623928.